The following is an entry in ClinVar:

ClinVar aggregate classification (germline): Conflicting classifications of pathogenicity. Review status: criteria provided, conflicting classifications (1 of 4 stars). 3 submissions from 3 submitters: Uncertain significance (1); Benign (2). Last evaluated 2023-10-01.

Allele frequency attached by ClinVar (database versions not stated): gnomAD exomes 0.00019 and 0.00047; ExAC 0.00091; 1000 Genomes Project 30x 0.00109; 1000 Genomes Project 0.00120; ESP Exome Variant Server 0.00140; gnomAD 0.00182 and 0.00198.
gnomAD v4.1: 573 of 1,605,292 alleles (0.036%); highest among the groups gnomAD compares: African/African-American, 0.68%; 1 homozygote.

Submissions (3):

CeGaT Center for Human Genetics Tuebingen
Classification: Uncertain significance. Last evaluated: 2023-10-01. Review status: criteria provided, single submitter. Criteria: CeGaT Center For Human Genetics Tuebingen Variant Classification Criteria Version 2. Collection method: clinical testing. Allele origin: germline. Affected: yes. Observed: 1 variant allele.
Comment: MSTO1: PP2, BP4

Labcorp Genetics (formerly Invitae), Labcorp
Classification: Benign. Last evaluated: 2018-07-13. Review status: criteria provided, single submitter. Criteria: Invitae Variant Classification Sherloc (09022015). Collection method: clinical testing. Allele origin: germline.

Breakthrough Genomics
Classification: Benign. Review status: criteria provided, single submitter. Criteria: ACMG Guidelines, 2015. Collection method: not provided. Allele origin: germline. Inheritance: Autosomal recessive inheritance. Affected: yes.

NM_018116.4(MSTO1):c.293A>G (p.Gln98Arg)

Gene: MSTO1 (misato mitochondrial distribution and morphology regulator 1; plus strand). Cytogenetic location: 1q22.
Variant type: single nucleotide variant.
Coding change: c.293A>G on transcript NM_018116.4 (MANE Select); coding-DNA position 293, A replaced by G.
Protein change: p.Gln98Arg; replaces glutamine 98 with arginine.
Molecular consequence: missense variant. On other transcripts: synonymous variant (1), 5 prime UTR variant (13), non-coding transcript variant (5).
Genome position (GRCh38, 1-based): chr1:155,611,218, A>G. VCF-style: chr1-155611218-A-G. GRCh37 (hg19) VCF-style: chr1-155581009-A-G.
Other names: c.293A>G, p.Gln98Arg (NM_001256532.1, NM_001256533.1, NM_001350772.1 and 3 more transcripts); c.6A>G, p.Ala2= (NM_001350776.1); c.-264A>G (NM_001350777.1, NM_001350779.1); c.-328A>G (NM_001350778.1); c.-380A>G (NM_001350780.1, NM_001350781.1); c.-306A>G (NM_001350782.1, NM_001350783.1, NM_001350786.1 and 1 more transcripts); c.-313A>G (NM_001350784.1, NM_001350787.1); c.-377A>G (NM_001350785.1, NM_001350789.1); short protein forms Q98R.
Identifiers: ClinVar variation 711292 (VCV000711292.28), dbSNP rs146175548, ClinGen allele CA1147847.